The following is an entry in ClinVar:

NM_000059.4(BRCA2):c.291_296del (p.Glu97_Leu98del)

Gene: BRCA2 (BRCA2 DNA repair associated; plus strand). Cytogenetic location: 13q13.1.
Variant type: Deletion.
Coding change: c.291_296del on transcript NM_000059.4 (MANE Select); coding-DNA positions 291 to 296, 6 bases deleted (ATTAGA; older notation c.291_296delATTAGA).
Protein change: p.Glu97_Leu98del.
Molecular consequence: inframe deletion.
Genome position (GRCh38, 1-based): chr13:32,319,300-32,319,305, ATTAGA deleted; deleting any 6 consecutive bases within chr13:32,319,297-32,319,305 gives the same sequence; the c. name uses the placement nearest the transcript's 3' end. VCF-style (leftmost placement, unchanged base first): chr13-32319296-AAGAATT-A. GRCh37 (hg19) VCF-style: chr13-32893433-AAGAATT-A.
Other names: EL97del; 519del6; c.291_296delATTAGA (NM_000059.3, NM_000059.4).
Identifiers: ClinVar variation 51371 (VCV000051371.28), dbSNP rs80359362, ClinGen allele CA016747.

ClinVar aggregate classification (germline): Uncertain significance. Review status: criteria provided, multiple submitters, no conflicts (2 of 4 stars). 10 submissions from 10 submitters: Uncertain significance (8). 2 of the submissions do not count toward it. Last evaluated 2026-06-09.

Conditions:
Hereditary cancer-predisposing syndrome. Also called: Neoplastic Syndromes, Hereditary; Tumor predisposition; Hereditary neoplastic syndrome; Hereditary Cancer Syndrome. Identifiers: Orphanet 140162, MedGen C0027672, MeSH D009386, MONDO:0015356.
Hereditary breast ovarian cancer syndrome. Also called: Hereditary breast and ovarian cancer syndrome (HBOC); Hereditary breast and ovarian cancer syndrome; Breast and ovarian cancer; Hereditary breast and ovarian cancer; Hereditary breast and/or ovarian cancer syndrome; BRCA1- and BRCA2-Associated Hereditary Breast and Ovarian Cancer. Identifiers: Orphanet 145, MedGen C0677776, MeSH D061325, MONDO:0003582. Disease mechanism: loss of function.
Breast-ovarian cancer, familial, susceptibility to, 2 (BROVCA2). Also called: BRCA2 Hereditary Breast and Ovarian Cancer. Identifiers: Orphanet 145, MedGen C2675520, MONDO:0012933, OMIM 612555. Disease mechanism: loss of function.
Familial cancer of breast. Also called: Hereditary breast cancer; BREAST CANCER, FAMILIAL; hereditary breast carcinoma. Identifiers: Orphanet 227535, MedGen C0346153, MONDO:0016419, OMIM 114480. Disease mechanism: loss of function.

Submissions (10):

Women's Health and Genetics/Laboratory Corporation of America, LabCorp
Classification: Uncertain significance. Last evaluated: 2026-06-09. Review status: criteria provided, single submitter. Criteria: LabCorp Variant Classification Summary - May 2015. Collection method: clinical testing. Allele origin: germline.
Comment: Variant summary: BRCA2 c.291_296delATTAGA (p.Glu97_Leu98del) results in an in-frame deletion that is predicted to remove two amino acids from the encoded protein. The variant was absent in 250974 control chromosomes. The available data on variant occurrences in the general population are insufficient to allow any conclusion about variant significance. To our knowledge, no occurrence of c.291_296delATTAGA in individuals affected with BRCA2-related conditions and no experimental evidence demonstrating its impact on protein function have been reported. Co-occurrences with other pathogenic variant(s) have been reported (BRCA2 c.4131_4132insTGAGGA, p.Thr1378Ter), providing supporting evidence for a benign role. ClinVar contains an entry for this variant (Variation ID: 51371). Based on the evidence outlined above, the variant was classified as VUS-possibly benign.

Quest Diagnostics Nichols Institute San Juan Capistrano
Classification: Uncertain significance. Last evaluated: 2024-12-03. Review status: criteria provided, single submitter. Criteria: Quest Diagnostics criteria. Collection method: clinical testing. Allele origin: unknown.
Comment: The BRCA2 c.291_296del (p.Glu97_Leu98del) variant has been reported in the published literature in an individual with an unspecified advanced cancer (PMID: 28873162 (2017)). The frequency of this variant in the general population (Genome Aggregation Database) is uninformative in the assessment of its pathogenicity. Based on the available information, we are unable to determine the clinical significance of this variant.

Labcorp Genetics (formerly Invitae), Labcorp
Classification: Uncertain significance for Hereditary breast ovarian cancer syndrome. Last evaluated: 2024-05-07. Review status: criteria provided, single submitter. Criteria: Invitae Variant Classification Sherloc (09022015). Collection method: clinical testing. Allele origin: germline.
Comment: This variant, c.291_296del, results in the deletion of 2 amino acid(s) of the BRCA2 protein (p.Glu97_Leu98del), but otherwise preserves the integrity of the reading frame. This variant is present in population databases (rs80359362, gnomAD 0.007%). This variant has been observed to co-occur in individuals with a different variant in BRCA2 that has been determined to be pathogenic (PMID: 10923033), but the significance of this finding is unclear. ClinVar contains an entry for this variant (Variation ID: 51371). Experimental studies and prediction algorithms are not available or were not evaluated, and the functional significance of this variant is currently unknown. In summary, the available evidence is currently insufficient to determine the role of this variant in disease. Therefore, it has been classified as a Variant of Uncertain Significance.

Baylor Genetics
Classification: Uncertain significance for Familial cancer of breast. Last evaluated: 2024-02-13. Review status: criteria provided, single submitter. Criteria: ACMG Guidelines, 2015. Collection method: clinical testing. Allele origin: unknown.

Ambry Genetics
Classification: Uncertain significance for Hereditary cancer-predisposing syndrome. Last evaluated: 2023-12-08. Review status: criteria provided, single submitter. Criteria: Ambry Variant Classification Scheme 2023. Collection method: clinical testing. Allele origin: germline.
Comment: The c.291_296delATTAGA variant (also known as p.E97_L98del) is located in coding exon 2 of the BRCA2 gene. This variant results from an in-frame ATTAGA deletion at nucleotide positions 291 to 296. This results in the in-frame deletion of glutamate and leucine residues at codons 97 and 98. These amino acid positions are not well conserved in available vertebrate species. In addition, the in silico prediction for this alteration is inconclusive (Choi Y et al. PLoS ONE. 2012; 7(10):e46688). Since supporting evidence is limited at this time, the clinical significance of this alteration remains unclear.

GeneDx
Classification: Uncertain significance. Last evaluated: 2022-06-24. Review status: criteria provided, single submitter. Criteria: GeneDx Variant Classification Process June 2021. Collection method: clinical testing. Allele origin: germline. Affected: yes.
Comment: In-frame deletion of 2 amino acids in a non-repeat region; In silico analysis supports a deleterious effect on protein structure/function; Not observed at significant frequency in large population cohorts (gnomAD); Has not been previously published as pathogenic or benign to our knowledge; Also known as 519_524del; 519_524delATTAGA

Revvity Omics, Revvity
Classification: Uncertain significance. Last evaluated: 2022-03-25. Review status: criteria provided, single submitter. Criteria: ACMG Guidelines, 2015. Collection method: clinical testing. Allele origin: germline.

Color Diagnostics, LLC DBA Color Health
Classification: Uncertain significance for Hereditary cancer-predisposing syndrome. Last evaluated: 2019-06-17. Review status: criteria provided, single submitter. Criteria: ACMG Guidelines, 2015. Collection method: clinical testing. Allele origin: germline.

Sharing Clinical Reports Project (SCRP)
Classification: Uncertain significance for Breast-ovarian cancer, familial 2. Last evaluated: 2011-08-30. Review status: no assertion criteria provided. Collection method: clinical testing. Allele origin: germline. Not counted in ClinVar's aggregate classification.

Breast Cancer Information Core (BIC) (BRCA2)
Classification: Uncertain significance for Breast-ovarian cancer, familial 2. Last evaluated: 2001-02-16. Review status: no assertion criteria provided. Collection method: clinical testing. Allele origin: germline. Affected: yes. Observed: 1 variant allele. Not counted in ClinVar's aggregate classification.

Literature cited by the submitters: PubMed 28873162 (cited by Quest Diagnostics Nichols Institute San Juan Capistrano); PubMed 10923033 (cited by Labcorp Genetics (formerly Invitae), Labcorp).